The following is an entry in ClinVar:

ClinVar aggregate classification (germline): Uncertain significance (1 of 4 stars; one submission).

Conditions:
Hereditary cancer-predisposing syndrome. Also called: Hereditary Cancer Syndrome; Hereditary neoplastic syndrome; Neoplastic Syndromes, Hereditary; Tumor predisposition. Identifiers: Orphanet 140162, MedGen C0027672, MeSH D009386, MONDO:0015356.

Submission:

Ambry Genetics
Classification: Uncertain significance for Hereditary cancer-predisposing syndrome. Last evaluated: 2022-01-03. Review status: criteria provided, single submitter. Criteria: Ambry Variant Classification Scheme 2023. Collection method: clinical testing. Allele origin: germline.
Comment: The p.G150V variant (also known as c.449G>T), located in coding exon 1 of the CDKN1B gene, results from a G to T substitution at nucleotide position 449. The glycine at codon 150 is replaced by valine, an amino acid with dissimilar properties. This amino acid position is conserved. In addition, this alteration is predicted to be tolerated by in silico analysis. Since supporting evidence is limited at this time, the clinical significance of this alteration remains unclear.

NM_004064.5(CDKN1B):c.449G>T (p.Gly150Val)

Gene: CDKN1B (cyclin dependent kinase inhibitor 1B; plus strand). Cytogenetic location: 12p13.1.
Variant type: single nucleotide variant.
Coding change: c.449G>T on transcript NM_004064.5 (MANE Select); coding-DNA position 449, G replaced by T.
Protein change: p.Gly150Val; replaces glycine 150 with valine.
Molecular consequence: missense variant.
Genome position (GRCh38, 1-based): chr12:12,718,288, G>T. VCF-style: chr12-12718288-G-T. GRCh37 (hg19) VCF-style: chr12-12871222-G-T.
Other names: short protein forms G150V.
Identifiers: ClinVar variation 1741022 (VCV001741022.2), dbSNP rs772818396, ClinGen allele CA383970850.
Genomic context (GRCh38, chr12:12,718,288, plus strand): 5'-TGGTGGACCCAAAGACTGATCCGTCGGACAGCCAGACGGGGTTAGCGGAGCAATGCGCAG[G>T]AATAAGGAAGCGACCTGCAACCGACGGTAATGACCCTTTCCCAACCATAGAATGTGTTTG-3'
Protein context (NP_004055.1, residues 140-160): SQTGLAEQCA[Gly150Val]IRKRPATDDS